The following is an entry in ClinVar:

NM_000368.5(TSC1):c.375C>A (p.Asp125Glu)

Gene: TSC1 (TSC complex subunit 1; minus strand). Cytogenetic location: 9q34.13.
Variant type: single nucleotide variant.
Coding change: c.375C>A on transcript NM_000368.5 (MANE Select); coding-DNA position 375, C replaced by A.
Protein change: p.Asp125Glu; replaces aspartic acid 125 with glutamic acid.
Molecular consequence: missense variant.
Genome position (GRCh38, 1-based): chr9:132,923,481, G>T on the plus strand (C>A on the coding strand, the complement: TSC1 is on the minus strand). VCF-style: chr9-132923481-G-T. GRCh37 (hg19) VCF-style: chr9-135798868-G-T.
Other names: c.375C>A, p.Asp125Glu (NM_001162426.2); c.222C>A, p.Asp74Glu (NM_001162427.2); c.12C>A, p.Asp4Glu (NM_001362177.2); short protein forms D74E, D125E, D4E.
Identifiers: ClinVar variation 1492993 (VCV001492993.6), dbSNP rs560863078, ClinGen allele CA375373720.

ClinVar aggregate classification (germline): Uncertain significance (1 of 4 stars; one submission).

Conditions:
Tuberous sclerosis 1 (TSC1). Identifiers: Orphanet 805, MedGen C1854465, MONDO:0008612, OMIM 191100.

gnomAD v4.1: 7 of 1,614,100 alleles (0.00043%); highest among the groups gnomAD compares: Non-Finnish European, 0.00059%; no homozygotes.

Submission:

Labcorp Genetics (formerly Invitae), Labcorp
Classification: Uncertain significance for Tuberous sclerosis 1. Last evaluated: 2024-04-10. Review status: criteria provided, single submitter. Criteria: Invitae Variant Classification Sherloc (09022015). Collection method: clinical testing. Allele origin: germline.
Comment: This sequence change replaces aspartic acid, which is acidic and polar, with glutamic acid, which is acidic and polar, at codon 125 of the TSC1 protein (p.Asp125Glu). This variant is not present in population databases (gnomAD no frequency). This variant has not been reported in the literature in individuals affected with TSC1-related conditions. ClinVar contains an entry for this variant (Variation ID: 1492993). Advanced modeling of protein sequence and biophysical properties (such as structural, functional, and spatial information, amino acid conservation, physicochemical variation, residue mobility, and thermodynamic stability) performed at Invitae indicates that this missense variant is not expected to disrupt TSC1 protein function with a negative predictive value of 95%. In summary, the available evidence is currently insufficient to determine the role of this variant in disease. Therefore, it has been classified as a Variant of Uncertain Significance.